The following is an entry in ClinVar:

NM_014361.4(CNTN5):c.2210A>T (p.Asp737Val)

Gene: CNTN5 (contactin 5; plus strand). Cytogenetic location: 11q22.1.
Variant type: single nucleotide variant.
Coding change: c.2210A>T on transcript NM_014361.4 (MANE Select); coding-DNA position 2210, A replaced by T.
Protein change: p.Asp737Val; replaces aspartic acid 737 with valine.
Molecular consequence: missense variant.
Genome position (GRCh38, 1-based): chr11:100,271,137, A>T. VCF-style: chr11-100271137-A-T. GRCh37 (hg19) VCF-style: chr11-100141869-A-T.
Other names: c.2210A>T, p.Asp737Val (NM_001243270.2, NM_001243271.2); c.1988A>T, p.Asp663Val (NM_175566.2); short protein forms D663V, D737V.
Identifiers: ClinVar variation 2628553 (VCV002628553.2), dbSNP rs2497001954, ClinGen allele CA382481073.

ClinVar aggregate classification (germline): Uncertain significance. Review status: criteria provided, multiple submitters, no conflicts (2 of 4 stars). 2 submissions from 2 submitters: Uncertain significance (2). Last evaluated 2025-11-02.

Conditions:
CNTN5-related disorder. Also called: CNTN5-related condition.

Allele frequency attached by ClinVar (database versions not stated): gnomAD exomes below 0.00001.
gnomAD v4.1: 1 of 1,613,030 alleles (0.000062%); highest among the groups gnomAD compares: Admixed American, 0.0017%; no homozygotes.

Submissions (2):

Ambry Genetics
Classification: Uncertain significance. Last evaluated: 2025-11-02. Review status: criteria provided, single submitter. Criteria: Ambry Variant Classification Scheme 2023. Collection method: clinical testing. Allele origin: germline.

PreventionGenetics, part of Exact Sciences
Classification: Uncertain significance for CNTN5-related condition. Last evaluated: 2023-06-07. Review status: criteria provided, single submitter. Criteria: ACMG Guidelines, 2015. Collection method: clinical testing. Allele origin: germline.
Comment: The CNTN5 c.2210A>T variant is predicted to result in the amino acid substitution p.Asp737Val. To our knowledge, this variant has not been reported in the literature or in a large population database, indicating this variant is rare. At this time, the clinical significance of this variant is uncertain due to the absence of conclusive functional and genetic evidence.